The following is an entry in ClinVar:

NM_007294.4(BRCA1):c.1882_1883insCC (p.Ser628fs)

Gene: BRCA1 (BRCA1 DNA repair associated; minus strand). Cytogenetic location: 17q21.31.
Variant type: Insertion.
Coding change: c.1882_1883insCC on transcript NM_007294.4 (MANE Select); coding-DNA positions 1882 to 1883, CC inserted.
Protein change: p.Ser628fs; shifts the reading frame from serine 628.
Molecular consequence: frameshift variant. On other transcripts: intron variant (137).
Genome position: GRCh38 VCF-style: chr17-43093648-C-CGG. GRCh37 (hg19) VCF-style: chr17-41245665-C-CGG.
Other names: c.1741_1742insCC, p.Ser581fs (NM_001407734.1, NM_001407735.1, NM_001407736.1 and 29 more transcripts); c.1738_1739insCC, p.Ser580fs (NM_001407740.1, NM_001407741.1, NM_001407742.1 and 20 more transcripts); c.1669_1670insCC, p.Ser557fs (NM_001407853.1, NM_001407894.1, NM_001407895.1 and 9 more transcripts); c.1882_1883insCC, p.Ser628fs (NM_001407854.1, NM_001407858.1, NM_001407859.1 and 30 more transcripts); c.1879_1880insCC, p.Ser627fs (NM_001407860.1, NM_001407861.1, NM_001407587.1 and 22 more transcripts); c.1681_1682insCC, p.Ser561fs (NM_001407862.1); c.1759_1760insCC, p.Ser587fs (NM_001407863.1, NM_001407919.1, NM_001407937.1 and 19 more transcripts); c.1678_1679insCC, p.Ser560fs (NM_001407874.1, NM_001407875.1); and 40 more; short protein forms S581fs, S628fs, S460fs, S516fs, S560fs, S602fs, S561fs, S601fs.
Identifiers: ClinVar variation 548233 (VCV000548233.2), dbSNP rs1555590997, ClinGen allele CA658824508.

ClinVar aggregate classification (germline): Pathogenic (3 of 4 stars; one submission).

Conditions:
Breast-ovarian cancer, familial, susceptibility to, 1 (BROVCA1). Also called: BRCA1 Hereditary Breast and Ovarian Cancer; OVARIAN CANCER, SUSCEPTIBILITY TO. Identifiers: Orphanet 145, MedGen C2676676, MONDO:0011450, OMIM 604370. Disease mechanism: loss of function.

Submission:

Evidence-based Network for the Interpretation of Germline Mutant Alleles (ENIGMA)
Classification: Pathogenic for Breast-ovarian cancer, familial, susceptibility to, 1. Last evaluated: 2017-12-15. Review status: reviewed by expert panel. Criteria: ENIGMA BRCA1/2 Classification Criteria (2017-06-29). Collection method: curation. Allele origin: germline. Study: ENIGMA.
Comment: Variant allele predicted to encode a truncated non-functional protein.